The following is an entry in ClinVar:

NM_018060.4(IARS2):c.2810C>G (p.Ser937Cys)

Gene: IARS2 (isoleucyl-tRNA synthetase 2, mitochondrial; plus strand). Cytogenetic location: 1q41.
Variant type: single nucleotide variant.
Coding change: c.2810C>G on transcript NM_018060.4 (MANE Select); coding-DNA position 2810, C replaced by G.
Protein change: p.Ser937Cys; replaces serine 937 with cysteine.
Molecular consequence: missense variant.
Genome position (GRCh38, 1-based): chr1:220,145,567, C>G. VCF-style: chr1-220145567-C-G. GRCh37 (hg19) VCF-style: chr1-220318909-C-G.
Other names: short protein forms S937C.
Identifiers: ClinVar variation 2108487 (VCV002108487.4), dbSNP rs2528590647, ClinGen allele CA344618447.

ClinVar aggregate classification (germline): Uncertain significance (1 of 4 stars; one submission).

Submission:

Labcorp Genetics (formerly Invitae), Labcorp
Classification: Uncertain significance. Last evaluated: 2022-08-16. Review status: criteria provided, single submitter. Criteria: Invitae Variant Classification Sherloc (09022015). Collection method: clinical testing. Allele origin: germline.
Comment: In summary, the available evidence is currently insufficient to determine the role of this variant in disease. Therefore, it has been classified as a Variant of Uncertain Significance. Algorithms developed to predict the effect of missense changes on protein structure and function are either unavailable or do not agree on the potential impact of this missense change (SIFT: "Tolerated"; PolyPhen-2: "Probably Damaging"; Align-GVGD: "Class C0"). This variant has not been reported in the literature in individuals affected with IARS2-related conditions. This variant is not present in population databases (gnomAD no frequency). This sequence change replaces serine, which is neutral and polar, with cysteine, which is neutral and slightly polar, at codon 937 of the IARS2 protein (p.Ser937Cys).